The following is an entry in ClinVar:

ClinVar aggregate classification (germline): Uncertain significance (1 of 4 stars; one submission).

Conditions:
Hereditary cancer-predisposing syndrome. Also called: Hereditary Cancer Syndrome; Neoplastic Syndromes, Hereditary; Tumor predisposition; Hereditary neoplastic syndrome. Identifiers: Orphanet 140162, MedGen C0027672, MeSH D009386, MONDO:0015356.

Submission:

Ambry Genetics
Classification: Uncertain significance for Hereditary cancer-predisposing syndrome. Last evaluated: 2017-10-18. Review status: criteria provided, single submitter. Criteria: Ambry Variant Classification Scheme 2023. Collection method: clinical testing. Allele origin: germline.
Comment: The p.R40L variant (also known as c.119G>T), located in coding exon 1 of the STK11 gene, results from a G to T substitution at nucleotide position 119. The arginine at codon 40 is replaced by leucine, an amino acid with dissimilar properties. This amino acid position is highly conserved in available vertebrate species. In addition, the in silico prediction for this alteration is inconclusive. Since supporting evidence is limited at this time, the clinical significance of this alteration remains unclear.

NM_000455.5(STK11):c.119G>T (p.Arg40Leu)

Gene: STK11 (serine/threonine kinase 11; plus strand). Cytogenetic location: 19p13.3.
Variant type: single nucleotide variant.
Coding change: c.119G>T on transcript NM_000455.5 (MANE Select); coding-DNA position 119, G replaced by T.
Protein change: p.Arg40Leu; replaces arginine 40 with leucine.
Molecular consequence: missense variant.
Genome position (GRCh38, 1-based): chr19:1,207,032, G>T. VCF-style: chr19-1207032-G-T. GRCh37 (hg19) VCF-style: chr19-1207031-G-T.
Other names: c.119G>T, p.Arg40Leu (NM_001407255.1); short protein forms R40L.
Identifiers: ClinVar variation 1746937 (VCV001746937.2), dbSNP rs1288190366, ClinGen allele CA402943942.